The following is an entry in ClinVar:

ClinVar aggregate classification (germline): Uncertain significance (1 of 4 stars; one submission).

Submission:

GeneDx
Classification: Uncertain significance. Last evaluated: 2026-03-06. Review status: criteria provided, single submitter. Criteria: GeneDx Variant Classification Process June 2021. Collection method: clinical testing. Allele origin: germline.
Comment: Not observed at significant frequency in large population cohorts (gnomAD); In silico analysis supports that this missense variant has a deleterious effect on protein structure/function; Has not been previously published as pathogenic or benign to our knowledge

NM_024721.5(ZFHX4):c.752G>C (p.Cys251Ser)

Gene: ZFHX4 (zinc finger homeobox 4; plus strand). Cytogenetic location: 8q21.13.
Variant type: single nucleotide variant.
Coding change: c.752G>C on transcript NM_024721.5 (MANE Select); coding-DNA position 752, G replaced by C.
Protein change: p.Cys251Ser; replaces cysteine 251 with serine.
Molecular consequence: missense variant.
Genome position (GRCh38, 1-based): chr8:76,704,840, G>C. VCF-style: chr8-76704840-G-C. GRCh37 (hg19) VCF-style: chr8-77617075-G-C.
Other names: c.752G>C, p.Cys251Ser (NM_001410934.1); short protein forms C251S.
Identifiers: ClinVar variation 5008625 (VCV005008625.1).